The following is an entry in ClinVar:

NM_139318.5(KCNH5):c.2793A>G (p.Leu931=)

Gene: KCNH5 (potassium voltage-gated channel subfamily H member 5; minus strand). Cytogenetic location: 14q23.2.
Variant type: single nucleotide variant.
Coding change: c.2793A>G on transcript NM_139318.5 (MANE Select); coding-DNA position 2793, A replaced by G.
Protein change: p.Leu931=; no amino-acid change (leucine 931 retained).
Molecular consequence: synonymous variant. On other transcripts: 3 prime UTR variant (1).
Genome position (GRCh38, 1-based): chr14:62,707,682, T>C on the plus strand (A>G on the coding strand, the complement: KCNH5 is on the minus strand). VCF-style: chr14-62707682-T-C. GRCh37 (hg19) VCF-style: chr14-63174400-T-C.
Other names: c.*760A>G (NM_172375.3).
Identifiers: ClinVar variation 2786489 (VCV002786489.4), dbSNP rs778306495, ClinGen allele CA7217185.

ClinVar aggregate classification (germline): Likely benign. Review status: criteria provided, multiple submitters, no conflicts (2 of 4 stars). 2 submissions from 2 submitters: Likely benign (2). Last evaluated 2024-09-10.

Conditions:
Early-infantile DEE. Also called: Early infantile epileptic encephalopathy; Early infantile epileptic encephalopathy with suppression bursts; Ohtahara syndrome. Identifiers: Orphanet 1934, MedGen C0393706, MONDO:0800491.

Allele frequency attached by ClinVar (database versions not stated): gnomAD exomes 0.00001; ExAC 0.00001.
gnomAD v4.1: 4 of 1,594,906 alleles (0.00025%); highest among the groups gnomAD compares: East Asian, 0.0045%; no homozygotes.

Submissions (2):

Women's Health and Genetics/Laboratory Corporation of America, LabCorp
Classification: Likely benign. Last evaluated: 2024-09-10. Review status: criteria provided, single submitter. Criteria: LabCorp Variant Classification Summary - May 2015. Collection method: clinical testing. Allele origin: germline.
Comment: Variant summary: KCNH5 c.2793A>G alters a non-conserved nucleotide resulting in a synonymous change. Consensus agreement among computation tools predict no significant impact on normal splicing. However, these predictions have yet to be confirmed by functional studies. The variant allele was found at a frequency of 1.2e-05 in 247466 control chromosomes. The available data on variant occurrences in the general population are insufficient to allow any conclusion about variant significance. To our knowledge, no occurrence of c.2793A>G in individuals affected with Developmental And Epileptic Encephalopathy-112 and no experimental evidence demonstrating its impact on protein function have been reported. ClinVar contains an entry for this variant (Variation ID: 2786493). Based on the evidence outlined above, the variant was classified as likely benign.

Labcorp Genetics (formerly Invitae), Labcorp
Classification: Likely benign for Early-infantile DEE. Last evaluated: 2022-11-30. Review status: criteria provided, single submitter. Criteria: Invitae Variant Classification Sherloc (09022015). Collection method: clinical testing. Allele origin: germline.